The following is an entry in ClinVar:

ClinVar aggregate classification (germline): Pathogenic (1 of 4 stars; one submission).

Conditions:
Inborn genetic diseases. Identifiers: MedGen C0950123, MeSH D030342.

Submission:

Ambry Genetics
Classification: Pathogenic for Inborn genetic diseases. Last evaluated: 2025-10-07. Review status: criteria provided, single submitter. Criteria: Ambry Variant Classification Scheme 2023. Collection method: clinical testing. Allele origin: germline.
Comment: The c.2475delG (p.L826Cfs*2) alteration, located in exon 5 (coding exon 4) of the TRPS1 gene, consists of a deletion of one nucleotide at position 2475, causing a translational frameshift with a predicted alternate stop codon after 2 amino acids. This alteration is expected to result in loss of function by premature protein truncation or nonsense-mediated mRNA decay. This variant was not reported in population-based cohorts in the Genome Aggregation Database (gnomAD). Based on the available evidence, this alteration is classified as pathogenic.

NM_014112.5(TRPS1):c.2475del (p.Leu826fs)

Gene: TRPS1 (transcriptional repressor GATA binding 1; minus strand). Cytogenetic location: 8q23.3.
Variant type: Deletion.
Coding change: c.2475del on transcript NM_014112.5 (MANE Select); coding-DNA position 2475, one base deleted (G; older notation c.2475delG).
Protein change: p.Leu826fs; shifts the reading frame from leucine 826.
Molecular consequence: frameshift variant.
Genome position (GRCh38, 1-based): chr8:115,587,226, C deleted on the plus strand (G on the coding strand, the reverse complement: TRPS1 is on the minus strand); the first of 4 consecutive C bases (chr8:115,587,226-115,587,229); deleting any one gives the same sequence. VCF-style (leftmost placement, unchanged base first): chr8-115587225-GC-G. GRCh37 (hg19) VCF-style: chr8-116599452-GC-G.
Other names: c.2448del, p.Leu817fs (NM_001282902.3); c.2454del, p.Leu819fs (NM_001282903.3); c.2436del, p.Leu813fs (NM_001330599.2); short protein forms L819fs, L813fs, L817fs, L826fs.
Identifiers: ClinVar variation 4633740 (VCV004633740.1).